The following is an entry in ClinVar:

NM_005609.4(PYGM):c.1699C>G (p.Gln567Glu)

Gene: PYGM (glycogen phosphorylase, muscle associated; minus strand). Cytogenetic location: 11q13.1.
Variant type: single nucleotide variant.
Coding change: c.1699C>G on transcript NM_005609.4 (MANE Select); coding-DNA position 1699, C replaced by G.
Protein change: p.Gln567Glu; replaces glutamine 567 with glutamic acid.
Molecular consequence: missense variant.
Genome position (GRCh38, 1-based): chr11:64,751,993, G>C on the plus strand (C>G on the coding strand, the complement: PYGM is on the minus strand). VCF-style: chr11-64751993-G-C. GRCh37 (hg19) VCF-style: chr11-64519465-G-C.
Other names: c.1435C>G, p.Gln479Glu (NM_001164716.1); short protein forms Q479E, Q567E.
Identifiers: ClinVar variation 4073600 (VCV004073600.1).

ClinVar aggregate classification (germline): Uncertain significance (1 of 4 stars; one submission).

Conditions:
Glycogen storage disease, type V (GSD5). Also called: MCARDLE DISEASE; MUSCLE GLYCOGEN PHOSPHORYLASE DEFICIENCY; MYOPHOSPHORYLASE DEFICIENCY; PYGM DEFICIENCY; McArdle type glycogen storage disease. Identifiers: Orphanet 368, MedGen C0017924, MONDO:0009293, OMIM 232600.

Submission:

Institute of Human Genetics, University of Goettingen
Classification: Uncertain significance for Glycogen storage disease, type V. Last evaluated: 2024-04-03. Review status: criteria provided, single submitter. Criteria: ACMG Guidelines, 2015. Collection method: clinical testing. Allele origin: germline. Inheritance: Autosomal recessive inheritance. Affected: yes. Observed: 1 compound heterozygote.
Comment: For the following reasons, we consider the heterozygous PYGM variant c. 1699C>G p.(Gln567Glu) to be a “variant of uncertain significance” (VUS) with a probable pathogenic character: 1. The variant is not yet listed in the HGMD, ClinVar, and LOVD3 databases and is not described in the relevant literature. 2. The molecular diagnosis matches the patient's clinical symptoms. 3. A comparison with the gnomAD browser has not provided any evidence that this variant is a normal variant that can also be detected in non-affected individuals. 4. The variant is independently classified as defective by the majority (7/10) of the prediction programs used. 5. The following ACMG criteria were used for classification: PP3, PP2, PM1_sup, PM2_sup

Literature cited by the submitters: PubMed 19237700; DOI 10.1212/01.wnl.0000343002.74480.e4..